The following is an entry in ClinVar:

ClinVar aggregate classification (germline): Likely benign. Review status: criteria provided, single submitter (1 of 4 stars). 2 submissions from 2 submitters: Likely benign (1). 1 of the submissions does not count toward it. Last evaluated 2024-09-23.

Conditions:
PCNT-related disorder. Also called: PCNT-related condition.

Allele frequency attached by ClinVar (database versions not stated): gnomAD exomes below 0.00001; gnomAD 0.00003.
gnomAD v4.1: 7 of 1,613,752 alleles (0.00043%); highest among the groups gnomAD compares: Admixed American, 0.0083%; no homozygotes.

Submissions (2):

Labcorp Genetics (formerly Invitae), Labcorp
Classification: Likely benign. Last evaluated: 2024-09-23. Review status: criteria provided, single submitter. Criteria: Invitae Variant Classification Sherloc (09022015). Collection method: clinical testing. Allele origin: germline.

PreventionGenetics, part of Exact Sciences
Classification: Likely benign for PCNT-related condition. Last evaluated: 2023-12-01. Review status: no assertion criteria provided. Collection method: clinical testing. Allele origin: germline. Not counted in ClinVar's aggregate classification.
Comment: This variant is classified as likely benign based on ACMG/AMP sequence variant interpretation guidelines (Richards et al. 2015 PMID: 25741868, with internal and published modifications).

NM_006031.6(PCNT):c.9078G>A (p.Leu3026=)

Gene: PCNT (pericentrin; plus strand). Cytogenetic location: 21q22.3.
Variant type: single nucleotide variant.
Coding change: c.9078G>A on transcript NM_006031.6 (MANE Select); coding-DNA position 9078, G replaced by A.
Protein change: p.Leu3026=; no amino-acid change (leucine 3026 retained).
Molecular consequence: synonymous variant.
Genome position (GRCh38, 1-based): chr21:46,437,060, G>A. VCF-style: chr21-46437060-G-A. GRCh37 (hg19) VCF-style: chr21-47856973-G-A.
Other names: c.9078G>A (NM_006031.5); c.8487G>A, p.Leu2829= (NM_001315529.2).
Identifiers: ClinVar variation 2918656 (VCV002918656.4), dbSNP rs910156892, ClinGen allele CA322024982.